The following is an entry in ClinVar:

NM_004380.3(CREBBP):c.3178_3183del (p.Lys1060_Glu1061del)

Gene: CREBBP (CREB binding lysine acetyltransferase; minus strand). Cytogenetic location: 16p13.3.
Variant type: Deletion.
Coding change: c.3178_3183del on transcript NM_004380.3 (MANE Select); coding-DNA positions 3178 to 3183, 6 bases deleted (AAAGAG; older notation c.3178_3183delAAAGAG).
Protein change: p.Lys1060_Glu1061del.
Molecular consequence: inframe deletion.
Genome position (GRCh38, 1-based): chr16:3,767,787-3,767,792, CTCTTT deleted on the plus strand (AAAGAG on the coding strand, the reverse complement: CREBBP is on the minus strand). VCF-style (leftmost placement, unchanged base first): chr16-3767786-CCTCTTT-C. GRCh37 (hg19) VCF-style: chr16-3817787-CCTCTTT-C.
Other names: c.3064_3069del, p.Lys1022_Glu1023del (NM_001079846.1).
Identifiers: ClinVar variation 2920233 (VCV002920233.4), dbSNP rs2548407275, ClinGen allele CA2575894094.

ClinVar aggregate classification (germline): Uncertain significance. Review status: criteria provided, multiple submitters, no conflicts (2 of 4 stars). 2 submissions from 2 submitters: Uncertain significance (2). Last evaluated 2023-03-01.

Conditions:
Rubinstein-Taybi syndrome (RSTS). Identifiers: Orphanet 783, MedGen C0035934, MONDO:0019188.

Allele frequency attached by ClinVar (database versions not stated): gnomAD exomes below 0.00001.

Submissions (2):

Labcorp Genetics (formerly Invitae), Labcorp
Classification: Uncertain significance for Rubinstein-Taybi syndrome. Last evaluated: 2023-03-01. Review status: criteria provided, single submitter. Criteria: Invitae Variant Classification Sherloc (09022015). Collection method: clinical testing. Allele origin: germline.
Comment: In summary, the available evidence is currently insufficient to determine the role of this variant in disease. Therefore, it has been classified as a Variant of Uncertain Significance. Experimental studies and prediction algorithms are not available or were not evaluated, and the functional significance of this variant is currently unknown. This variant has not been reported in the literature in individuals affected with CREBBP-related conditions. This variant is not present in population databases (gnomAD no frequency). This variant, c.3178_3183del, results in the deletion of 2 amino acid(s) of the CREBBP protein (p.Lys1060_Glu1061del), but otherwise preserves the integrity of the reading frame.

Department of Pathology and Laboratory Medicine, Sinai Health System
Classification: Uncertain significance for Rubinstein-Taybi syndrome. Last evaluated: 2022-02-28. Review status: criteria provided, single submitter. Criteria: ACMG Guidelines, 2015. Collection method: research. Allele origin: germline.